The following is an entry in ClinVar:

ClinVar aggregate classification (germline): Uncertain significance. Review status: criteria provided, multiple submitters, no conflicts (2 of 4 stars). 2 submissions from 2 submitters: Uncertain significance (2). Last evaluated 2025-04-12.

Conditions:
Inborn genetic diseases. Identifiers: MedGen C0950123, MeSH D030342.

Submissions (2):

Ambry Genetics
Classification: Uncertain significance for Inborn genetic diseases. Last evaluated: 2025-04-12. Review status: criteria provided, single submitter. Criteria: Ambry Variant Classification Scheme 2023. Collection method: clinical testing. Allele origin: germline.

GeneDx
Classification: Uncertain significance. Last evaluated: 2023-12-22. Review status: criteria provided, single submitter. Criteria: GeneDx Variant Classification Process June 2021. Collection method: clinical testing. Allele origin: germline. Affected: yes.
Comment: Not observed at significant frequency in large population cohorts (gnomAD); In silico analysis supports that this missense variant does not alter protein structure/function; Has not been previously published as pathogenic or benign to our knowledge

NM_152703.5(SAMD9L):c.277T>G (p.Ser93Ala)

Gene: SAMD9L (sterile alpha motif domain containing 9 like; minus strand). Cytogenetic location: 7q21.2.
Variant type: single nucleotide variant.
Coding change: c.277T>G on transcript NM_152703.5 (MANE Select); coding-DNA position 277, T replaced by G.
Protein change: p.Ser93Ala; replaces serine 93 with alanine.
Molecular consequence: missense variant.
Genome position (GRCh38, 1-based): chr7:93,135,695, A>C on the plus strand (T>G on the coding strand, the complement: SAMD9L is on the minus strand). VCF-style: chr7-93135695-A-C. GRCh37 (hg19) VCF-style: chr7-92765008-A-C.
Other names: c.277T>G, p.Ser93Ala (NM_001303496.3, NM_001303497.3, NM_001303498.3 and 5 more transcripts); c.277T>G (NM_152703.2); short protein forms S93A.
Identifiers: ClinVar variation 3369975 (VCV003369975.2).